The following is an entry in ClinVar:

ClinVar aggregate classification (germline): Pathogenic. Review status: criteria provided, multiple submitters, no conflicts (2 of 4 stars). 11 submissions from 11 submitters: Pathogenic (9). 2 of the submissions do not count toward it. Last evaluated 2025-10-24.

Conditions:
Charcot-Marie-Tooth disease axonal type 2V. Also called: CHARCOT-MARIE-TOOTH NEUROPATHY, TYPE 2V; CHARCOT-MARIE-TOOTH DISEASE, AXONAL, AUTOSOMAL DOMINANT, TYPE 2V. Identifiers: Orphanet 447964, MedGen C5569050, MONDO:0014665, OMIM 616491.
Mucopolysaccharidosis, MPS-III-B (MPS3B). Also called: MPS III B; Mucopolysaccharidosis type IIIB (Sanfilippo B); SANFILIPPO SYNDROME B; MUCOPOLYSACCHARIDOSIS, TYPE IIIB; MPS IIIB (Sanfilippo Syndrome Type B); N-ACETYL-ALPHA-D-GLUCOSAMINIDASE DEFICIENCY. Identifiers: Orphanet 79270, MedGen C0086648, MONDO:0009656, OMIM 252920.

Allele frequency attached by ClinVar (database versions not stated): TOPMed 0.00005; gnomAD 0.00013.
gnomAD v4.1: 25 of 1,604,266 alleles (0.0016%); highest among the groups gnomAD compares: African/African-American, 0.013%; no homozygotes.

Submissions (11):

GeneDx
Classification: Pathogenic. Last evaluated: 2025-10-24. Review status: criteria provided, single submitter. Criteria: GeneDx Variant Classification Process June 2021. Collection method: clinical testing. Allele origin: germline.
Comment: Published functional studies found this variant is associated with significantly reduced enzyme activity (PMID: 29979746); Nonsense variant predicted to result in protein truncation, as the last 118 amino acid(s) are lost, and other loss-of-function variants have been reported downstream in HGMD; This variant is associated with the following publications: (PMID: 33195185, 36344724, 33578874, 9443875, 34411609, 9832037, 36840025, 32886284, 23840811, 32054071, 32880920, 28595941, 33147747, 11668611, 10094189, 14984474, 29979746, 8650226)

Natera, Inc.
Classification: Pathogenic for Mucopolysaccharidosis type IIIB. Last evaluated: 2025-10-16. Review status: criteria provided, single submitter. Criteria: Natera Variant Classification Schema (03/2026). Collection method: clinical testing. Allele origin: germline.
Comment: The c.1876C>T variant in NAGLU is a nonsense variant predicted to introduce a stop codon at amino acid 626. This variant is expected to result in nonsense mediated decay, truncation, or a dysfunctional protein product. This variant is rare in the general population with a frequency below the threshold expected for the associated phenotype(s). This variant has been observed in one or more individuals affected with the associated recessive disease, as either homozygous or compound heterozygous with a second variant (PMID: 10094189, 14984474). Given the available evidence, this variant is classified as Pathogenic.

Labcorp Genetics (formerly Invitae), Labcorp
Classification: Pathogenic for Charcot-Marie-Tooth disease axonal type 2V; Mucopolysaccharidosis, MPS-III-B. Last evaluated: 2025-09-09. Review status: criteria provided, single submitter. Criteria: Invitae Variant Classification Sherloc (09022015). Collection method: clinical testing. Allele origin: germline.
Comment: This sequence change creates a premature translational stop signal (p.Arg626*) in the NAGLU gene. While this is not anticipated to result in nonsense mediated decay, it is expected to disrupt the last 118 amino acid(s) of the NAGLU protein. The frequency data for this variant in the population databases is considered unreliable, as metrics indicate poor data quality at this position in the gnomAD database. This premature translational stop signal has been observed in individuals with mucopolysaccharidosis (PMID: 8650226, 9832037, 10094189). ClinVar contains an entry for this variant (Variation ID: 1561). For these reasons, this variant has been classified as Pathogenic.

Mayo Clinic Laboratories, Mayo Clinic
Classification: Pathogenic. Last evaluated: 2024-05-06. Review status: criteria provided, single submitter. Criteria: ACMG Guidelines, 2015. Collection method: clinical testing. Allele origin: germline. Observed: 1 variant allele.
Comment: PM2, PM3, PS3, PVS1_strong

Pittsburgh Clinical Genomics Laboratory, University of Pittsburgh Medical Center
Classification: Pathogenic for Mucopolysaccharidosis, MPS-III-B. Last evaluated: 2024-04-22. Review status: criteria provided, single submitter. Criteria: ACMG Guidelines, 2015. Collection method: clinical testing. Allele origin: germline. Inheritance: Autosomal recessive inheritance. Affected: yes.
Comment: This sequence variant is a single nucleotide substitution (C>T) at position 1876 of the coding sequence of the NAGLU gene that changes the arginine codon at position 626 to a premature termination signal. This variant occurs in exon 6 of 6 of the NAGLU gene and though it is not expected to undergo nonsense mediated decay, this variant will truncate the final 106 amino acids of the alpha-N-acetylglucosaminidase domain (UniProt). This is a previously reported variant (ClinVar 1561) that has been observed in homozygous and compound heterozygous individuals affected by mucopolysaccharidosis type IIIB (PMID: 8650226, 9443875, 9832037, 10094189, 14984474). This variant is present in 16 of 381708 alleles (0.0042%) in the gnomAD population dataset. Functional studies have demonstrated that the enzymatic activity of the protein generated from this variant is significantly reduced relative to the wildtype protein (PMID: 29979746). Based upon the evidence, we consider this a pathogenic variant. ACMG Criteria: PM2, PM3, PS3, PVS1

Fulgent Genetics
Classification: Pathogenic for Mucopolysaccharidosis, MPS-III-B; Charcot-Marie-Tooth disease axonal type 2V. Last evaluated: 2022-02-26. Review status: criteria provided, single submitter. Criteria: ACMG Guidelines, 2015. Collection method: clinical testing. Allele origin: unknown.

Laboratory of Medical Genetics, National & Kapodistrian University of Athens
Classification: Pathogenic for Mucopolysaccharidosis, MPS-III-B. Last evaluated: 2021-10-05. Review status: criteria provided, single submitter. Criteria: ACMG Guidelines, 2015. Collection method: clinical testing. Allele origin: unknown. Affected: yes.
Comment: PVS1, PM2, PP5

Women's Health and Genetics/Laboratory Corporation of America, LabCorp
Classification: Pathogenic for Mucopolysaccharidosis, MPS-III-B. Last evaluated: 2019-11-11. Review status: criteria provided, single submitter. Criteria: LabCorp Variant Classification Summary - May 2015. Collection method: clinical testing. Allele origin: germline.
Comment: Variant summary: NAGLU c.1876C>T (p.Arg626X) results in a premature termination codon, predicted to cause a truncation of the encoded protein or absence of the protein due to nonsense mediated decay, which are commonly known mechanisms for disease. The variant allele was found at a frequency of 2.2e-05 in 229530 control chromosomes. c.1876C>T has been reported in the literature in multiple individuals affected with Mucopolysaccharidosis Type IIIB (Sanfilippo Syndrome B) (Beesley_1998, Weber_1999, Zhao_1996, Zhao_1998). These data indicate that the variant is very likely to be associated with disease. No experimental evidence demonstrating an impact on protein function was ascertained. Two clinical diagnostic laboratories have submitted clinical-significance assessments for this variant to ClinVar after 2014 without evidence for independent evaluation. All laboratories classified the variant as pathogenic. Based on the evidence outlined above, the variant was classified as pathogenic.

Eurofins Ntd Llc (ga)
Classification: Pathogenic. Last evaluated: 2013-12-19. Review status: criteria provided, single submitter. Criteria: EGL Classification Definitions 2015. Collection method: clinical testing. Allele origin: germline. Observed: 1 variant allele, 1 heterozygote.

Counsyl
Classification: Pathogenic for Mucopolysaccharidosis, MPS-III-B. Last evaluated: 2017-01-25. Review status: no assertion criteria provided. Collection method: clinical testing. Allele origin: unknown. Not counted in ClinVar's aggregate classification.

OMIM
Classification: Pathogenic for MUCOPOLYSACCHARIDOSIS, TYPE IIIB. Last evaluated: 1996-06-11. Review status: no assertion criteria provided. Collection method: literature only. Allele origin: germline. Not counted in ClinVar's aggregate classification.

Literature cited by the submitters: PubMed 10094189 (cited by 5 submitters); PubMed 14984474 (cited by 4 submitters); PubMed 8650226 (cited by 7 submitters); PubMed 9832037 (cited by 4 submitters); PubMed 29979746 (cited by Mayo Clinic Laboratories, Mayo Clinic and Pittsburgh Clinical Genomics Laboratory, University of Pittsburgh Medical Center); PubMed 9443875 (cited by 3 submitters).

NM_000263.4(NAGLU):c.1876C>T (p.Arg626Ter)

Gene: NAGLU (N-acetyl-alpha-glucosaminidase; plus strand). Cytogenetic location: 17q21.2.
Variant type: single nucleotide variant.
Coding change: c.1876C>T on transcript NM_000263.4 (MANE Select); coding-DNA position 1876, C replaced by T.
Protein change: p.Arg626Ter; replaces arginine 626 with a stop codon.
Molecular consequence: nonsense.
Genome position (GRCh38, 1-based): chr17:42,543,882, C>T. VCF-style: chr17-42543882-C-T. GRCh37 (hg19) VCF-style: chr17-40695900-C-T.
Other names: short protein forms R626*.
Identifiers: ClinVar variation 1561 (VCV000001561.23), dbSNP rs104894591, ClinGen allele CA115043.